The following is an entry in ClinVar:

ClinVar aggregate classification (germline): Uncertain significance (1 of 4 stars; one submission).

Submission:

Labcorp Genetics (formerly Invitae), Labcorp
Classification: Uncertain significance. Last evaluated: 2024-09-08. Review status: criteria provided, single submitter. Criteria: Invitae Variant Classification Sherloc (09022015). Collection method: clinical testing. Allele origin: germline.
Comment: This sequence change replaces glutamic acid, which is acidic and polar, with lysine, which is basic and polar, at codon 633 of the AK7 protein (p.Glu633Lys). This variant is present in population databases (no rsID available, gnomAD 0.0009%). This variant has not been reported in the literature in individuals affected with AK7-related conditions. Invitae Evidence Modeling of protein sequence and biophysical properties (such as structural, functional, and spatial information, amino acid conservation, physicochemical variation, residue mobility, and thermodynamic stability) indicates that this missense variant is not expected to disrupt AK7 protein function with a negative predictive value of 80%. In summary, the available evidence is currently insufficient to determine the role of this variant in disease. Therefore, it has been classified as a Variant of Uncertain Significance.

NM_152327.5(AK7):c.1897G>A (p.Glu633Lys)

Gene: AK7 (adenylate kinase 7; plus strand). Cytogenetic location: 14q32.2.
Variant type: single nucleotide variant.
Coding change: c.1897G>A on transcript NM_152327.5 (MANE Select); coding-DNA position 1897, G replaced by A.
Protein change: p.Glu633Lys; replaces glutamic acid 633 with lysine.
Molecular consequence: missense variant.
Genome position (GRCh38, 1-based): chr14:96,483,142, G>A. VCF-style: chr14-96483142-G-A. GRCh37 (hg19) VCF-style: chr14-96949479-G-A.
Other names: c.1819G>A, p.Glu607Lys (NM_001350891.2); c.1699G>A, p.Glu567Lys (NM_001350892.2); c.1828G>A, p.Glu610Lys (NM_001350888.2, NM_001350890.2); short protein forms E633K, E567K, E607K, E610K.
Identifiers: ClinVar variation 3666900 (VCV003666900.2).